The following is an entry in ClinVar:

NM_000095.3(COMP):c.760G>A (p.Val254Met)

Gene: COMP (cartilage oligomeric matrix protein; minus strand). Cytogenetic location: 19p13.11.
Variant type: single nucleotide variant.
Coding change: c.760G>A on transcript NM_000095.3 (MANE Select); coding-DNA position 760, G replaced by A.
Protein change: p.Val254Met; replaces valine 254 with methionine.
Molecular consequence: missense variant.
Genome position (GRCh38, 1-based): chr19:18,788,594, C>T on the plus strand (G>A on the coding strand, the complement: COMP is on the minus strand). VCF-style: chr19-18788594-C-T. GRCh37 (hg19) VCF-style: chr19-18899403-C-T.
Other names: short protein forms V254M.
Identifiers: ClinVar variation 1511308 (VCV001511308.6), dbSNP rs2145903547, ClinGen allele CA404893279.

ClinVar aggregate classification (germline): Uncertain significance (1 of 4 stars; one submission).

Submission:

Labcorp Genetics (formerly Invitae), Labcorp
Classification: Uncertain significance. Last evaluated: 2022-10-24. Review status: criteria provided, single submitter. Criteria: Invitae Variant Classification Sherloc (09022015). Collection method: clinical testing. Allele origin: germline.
Comment: In summary, the available evidence is currently insufficient to determine the role of this variant in disease. Therefore, it has been classified as a Variant of Uncertain Significance. Algorithms developed to predict the effect of missense changes on protein structure and function are either unavailable or do not agree on the potential impact of this missense change (SIFT: "Deleterious"; PolyPhen-2: "Benign"; Align-GVGD: "Class C0"). ClinVar contains an entry for this variant (Variation ID: 1511308). This variant has not been reported in the literature in individuals affected with COMP-related conditions. This variant is not present in population databases (gnomAD no frequency). This sequence change replaces valine, which is neutral and non-polar, with methionine, which is neutral and non-polar, at codon 254 of the COMP protein (p.Val254Met).